The following is an entry in ClinVar:

ClinVar aggregate classification (germline): Pathogenic/Likely pathogenic. Review status: criteria provided, multiple submitters, no conflicts (2 of 4 stars). 3 submissions from 3 submitters: Pathogenic (1); Likely pathogenic (2). Last evaluated 2024-12-30.

Conditions:
ADGRV1-related disorder. Also called: ADGRV1-related disorders; ADGRV1-related condition.

Submissions (3):

GeneDx
Classification: Likely pathogenic. Last evaluated: 2024-12-30. Review status: criteria provided, single submitter. Criteria: GeneDx Variant Classification Process June 2021. Collection method: clinical testing. Allele origin: germline. Affected: yes.
Comment: Canonical splice site variant predicted to result in an in-frame loss of the adjacent exon in a gene for which loss of function is a known mechanism of disease; Not observed at significant frequency in large population cohorts (gnomAD); This variant is associated with the following publications: (PMID: 27460420)

Labcorp Genetics (formerly Invitae), Labcorp
Classification: Pathogenic. Last evaluated: 2023-08-22. Review status: criteria provided, single submitter. Criteria: Invitae Variant Classification Sherloc (09022015). Collection method: clinical testing. Allele origin: germline.
Comment: For these reasons, this variant has been classified as Pathogenic. Algorithms developed to predict the effect of sequence changes on RNA splicing suggest that this variant may disrupt the consensus splice site. ClinVar contains an entry for this variant (Variation ID: 1459655). Disruption of this splice site has been observed in individuals with ADGRV1-related conditions (PMID: 27460420; Invitae). This variant is not present in population databases (gnomAD no frequency). This sequence change affects an acceptor splice site in intron 47 of the ADGRV1 gene. It is expected to disrupt RNA splicing. Variants that disrupt the donor or acceptor splice site typically lead to a loss of protein function (PMID: 16199547), and loss-of-function variants in ADGRV1 are known to be pathogenic (PMID: 19357117, 22135276, 22147658, 26226137, 30718709, 31047384, 32467589).

Blueprint Genetics
Classification: Likely pathogenic for ADGRV1-related disorders. Last evaluated: 2020-04-20. Review status: criteria provided, single submitter. Criteria: ACMG Guidelines, 2015. Collection method: clinical testing. Allele origin: germline. Affected: yes. Observed: 2 variant alleles.

Literature cited by the submitters: PubMed 27460420 (cited by Labcorp Genetics (formerly Invitae), Labcorp); PubMed 16199547 (cited by Labcorp Genetics (formerly Invitae), Labcorp); PubMed 19357117 (cited by Labcorp Genetics (formerly Invitae), Labcorp); PubMed 22135276 (cited by Labcorp Genetics (formerly Invitae), Labcorp); PubMed 22147658 (cited by Labcorp Genetics (formerly Invitae), Labcorp); PubMed 26226137 (cited by Labcorp Genetics (formerly Invitae), Labcorp); PubMed 30718709 (cited by Labcorp Genetics (formerly Invitae), Labcorp); PubMed 31047384 (cited by Labcorp Genetics (formerly Invitae), Labcorp); PubMed 32467589 (cited by Labcorp Genetics (formerly Invitae), Labcorp).

NM_032119.4(ADGRV1):c.10054-1G>T

Gene: ADGRV1 (adhesion G protein-coupled receptor V1; plus strand). Cytogenetic location: 5q14.3.
Variant type: single nucleotide variant.
Coding change: c.10054-1G>T on transcript NM_032119.4 (MANE Select); the canonical splice acceptor site of the intron before coding-DNA position 10054, G replaced by T.
Molecular consequence: splice acceptor variant.
Genome position (GRCh38, 1-based): chr5:90,725,548, G>T. VCF-style: chr5-90725548-G-T. GRCh37 (hg19) VCF-style: chr5-90021365-G-T.
Identifiers: ClinVar variation 1459655 (VCV001459655.8), dbSNP rs2149797559, ClinGen allele CA360403157.